The following is an entry in ClinVar:

NM_001009944.3(PKD1):c.5092C>T (p.Arg1698Trp)

Gene: PKD1 (polycystin 1, transient receptor potential channel interacting; minus strand). Cytogenetic location: 16p13.3.
Variant type: single nucleotide variant.
Coding change: c.5092C>T on transcript NM_001009944.3 (MANE Select); coding-DNA position 5092, C replaced by T.
Protein change: p.Arg1698Trp; replaces arginine 1698 with tryptophan.
Molecular consequence: missense variant.
Genome position (GRCh38, 1-based): chr16:2,110,075, G>A on the plus strand (C>T on the coding strand, the complement: PKD1 is on the minus strand). VCF-style: chr16-2110075-G-A. GRCh37 (hg19) VCF-style: chr16-2160076-G-A.
Other names: c.5092C>T, p.Arg1698Trp (NM_000296.4); short protein forms R1698W.
Identifiers: ClinVar variation 1310360 (VCV001310360.6), dbSNP rs141871028, ClinGen allele CA7832125.

ClinVar aggregate classification (germline): Conflicting classifications of pathogenicity. Review status: criteria provided, conflicting classifications (1 of 4 stars). 3 submissions from 3 submitters: Uncertain significance (1); Likely benign (1). 1 of the submissions does not count toward it. Last evaluated 2024-04-03.

Conditions:
PKD1-related disorder. Also called: PKD1-related condition.
Polycystic kidney disease, adult type (PKD1). Also called: Polycystic Kidney Disease 1, Autosomal Dominant; Polycystic kidney disease 1; Polycystic kidney disease 1, severe; POLYCYSTIC KIDNEY DISEASE 1 WITH OR WITHOUT POLYCYSTIC LIVER DISEASE; POLYCYSTIC KIDNEY DISEASE, ADULT, TYPE I; Polycystic Kidney, Autosomal Dominant. Identifiers: MedGen C3149841, MONDO:0008263, OMIM 173900.

Allele frequency attached by ClinVar (database versions not stated): ESP Exome Variant Server 0.00039; TOPMed 0.00063; 1000 Genomes Project 0.00120; 1000 Genomes Project 30x 0.00125.
gnomAD v4.1: 226 of 1,609,806 alleles (0.014%); highest among the groups gnomAD compares: African/African-American, 0.18%; no homozygotes.

Submissions (3):

GeneDx
Classification: Uncertain significance. Last evaluated: 2024-04-03. Review status: criteria provided, single submitter. Criteria: GeneDx Variant Classification Process June 2021. Collection method: clinical testing. Allele origin: germline. Affected: yes.
Comment: Identified in a patient with polycystic kidney disease who also harbored a variant in the PKD2 gene (PMID: 17582161); In silico analysis, which includes protein predictors and evolutionary conservation, supports a deleterious effect; This variant is associated with the following publications: (PMID: 17582161)

Department of Pathology and Laboratory Medicine, Sinai Health System
Classification: Likely benign for Polycystic kidney disease, adult type. Last evaluated: 2022-10-17. Review status: criteria provided, single submitter. Criteria: ACMG Guidelines, 2015. Collection method: clinical testing. Allele origin: germline. Affected: yes.

PreventionGenetics, part of Exact Sciences
Classification: Likely benign for PKD1-related condition. Last evaluated: 2022-06-07. Review status: no assertion criteria provided. Collection method: clinical testing. Allele origin: germline. Not counted in ClinVar's aggregate classification.
Comment: This variant is classified as likely benign based on ACMG/AMP sequence variant interpretation guidelines (Richards et al. 2015 PMID: 25741868, with internal and published modifications).

Literature cited by the submitters: PubMed 17582161 (cited by Department of Pathology and Laboratory Medicine, Sinai Health System).